The following is an entry in ClinVar:

NM_015693.4(INTU):c.37T>G (p.Ser13Ala)

Gene: INTU (inturned planar cell polarity protein; plus strand). Cytogenetic location: 4q28.1.
Variant type: single nucleotide variant.
Coding change: c.37T>G on transcript NM_015693.4 (MANE Select); coding-DNA position 37, T replaced by G.
Protein change: p.Ser13Ala; replaces serine 13 with alanine.
Molecular consequence: missense variant.
Genome position (GRCh38, 1-based): chr4:127,633,071, T>G. VCF-style: chr4-127633071-T-G. GRCh37 (hg19) VCF-style: chr4-128554226-T-G.
Other names: short protein forms S13A.
Identifiers: ClinVar variation 3615937 (VCV003615937.2).

ClinVar aggregate classification (germline): Uncertain significance (1 of 4 stars; one submission).

gnomAD v4.1: 38 of 1,613,762 alleles (0.0024%); highest among the groups gnomAD compares: Non-Finnish European, 0.0023%; no homozygotes.

Submission:

Labcorp Genetics (formerly Invitae), Labcorp
Classification: Uncertain significance. Last evaluated: 2024-10-03. Review status: criteria provided, single submitter. Criteria: Invitae Variant Classification Sherloc (09022015). Collection method: clinical testing. Allele origin: germline.
Comment: This sequence change replaces serine, which is neutral and polar, with alanine, which is neutral and non-polar, at codon 13 of the INTU protein (p.Ser13Ala). This variant is present in population databases (rs143620669, gnomAD 0.02%). This variant has not been reported in the literature in individuals affected with INTU-related conditions. An algorithm developed to predict the effect of missense changes on protein structure and function outputs the following: PolyPhen-2: "Benign". The alanine amino acid residue is found in multiple mammalian species, which suggests that this missense change does not adversely affect protein function. In summary, the available evidence is currently insufficient to determine the role of this variant in disease. Therefore, it has been classified as a Variant of Uncertain Significance.